The following is an entry in ClinVar:

NM_002471.4(MYH6):c.1335C>T (p.Asn445=)

Gene: MYH6 (myosin heavy chain 6; minus strand). Cytogenetic location: 14q11.2.
Variant type: single nucleotide variant.
Coding change: c.1335C>T on transcript NM_002471.4 (MANE Select); coding-DNA position 1335, C replaced by T.
Protein change: p.Asn445=; no amino-acid change (asparagine 445 retained).
Molecular consequence: synonymous variant.
Genome position (GRCh38, 1-based): chr14:23,400,784, G>A on the plus strand (C>T on the coding strand, the complement: MYH6 is on the minus strand). VCF-style: chr14-23400784-G-A. GRCh37 (hg19) VCF-style: chr14-23869993-G-A.
Identifiers: ClinVar variation 44451 (VCV000044451.24), dbSNP rs61731179, ClinGen allele CA134236.

ClinVar aggregate classification (germline): Benign. Review status: criteria provided, multiple submitters, no conflicts (2 of 4 stars). 10 submissions from 10 submitters: Benign (7). 3 of the submissions do not count toward it. Last evaluated 2026-02-03.

Conditions:
Cardiovascular phenotype. Identifiers: MedGen CN230736.
Hypertrophic cardiomyopathy 14. Identifiers: MedGen C2750467, MONDO:0013197, OMIM 613251.

Allele frequency attached by ClinVar (database versions not stated): 1000 Genomes Project 30x 0.03139; 1000 Genomes Project 0.03215; gnomAD 0.03984 and 0.04121; TOPMed 0.04033; ESP Exome Variant Server 0.04467; gnomAD exomes 0.05316; ExAC 0.05441.
gnomAD v4.1: 88,154 of 1,614,236 alleles (5.5%); highest among the groups gnomAD compares: Middle Eastern, 11%; 2,878 homozygotes.

Submissions (10):

Labcorp Genetics (formerly Invitae), Labcorp
Classification: Benign for Hypertrophic cardiomyopathy 14. Last evaluated: 2026-02-03. Review status: criteria provided, single submitter. Criteria: Invitae Variant Classification Sherloc (09022015). Collection method: clinical testing. Allele origin: germline.

Blueprint Genetics
Classification: Benign. Last evaluated: 2024-11-27. Review status: criteria provided, single submitter. Criteria: ACMG Guidelines, 2015. Collection method: clinical testing. Allele origin: germline.

GeneDx
Classification: Benign. Last evaluated: 2016-09-27. Review status: criteria provided, single submitter. Criteria: GeneDx Variant Classification (06012015). Collection method: clinical testing. Allele origin: germline. Affected: yes.
Comment: This variant is considered likely benign or benign based on one or more of the following criteria: it is a conservative change, it occurs at a poorly conserved position in the protein, it is predicted to be benign by multiple in silico algorithms, and/or has population frequency not consistent with disease.

Ambry Genetics
Classification: Benign for Cardiovascular phenotype. Last evaluated: 2015-06-24. Review status: criteria provided, single submitter. Criteria: Ambry Variant Classification Scheme 2023. Collection method: clinical testing. Allele origin: germline.

Laboratory for Molecular Medicine, Mass General Brigham Personalized Medicine
Classification: Benign. Last evaluated: 2011-12-02. Review status: criteria provided, single submitter. Criteria: LMM Criteria. Collection method: clinical testing. Allele origin: germline. Observed: 183 variant alleles.

Breakthrough Genomics
Classification: Benign. Review status: criteria provided, single submitter. Criteria: ACMG Guidelines, 2015. Collection method: not provided. Allele origin: germline. Inheritance: Autosomal dominant inheritance. Affected: yes.

PreventionGenetics, part of Exact Sciences
Classification: Benign. Review status: criteria provided, single submitter. Criteria: ACMG Guidelines, 2015. Collection method: clinical testing. Allele origin: germline.

Clinical Genetics DNA and cytogenetics Diagnostics Lab, Erasmus MC, Erasmus Medical Center
Classification: Benign. Review status: no assertion criteria provided. Collection method: clinical testing. Allele origin: germline. Affected: yes. Study: VKGL Data-share Consensus. Not counted in ClinVar's aggregate classification.

Clinical Genetics, Academic Medical Center
Classification: Benign. Review status: no assertion criteria provided. Collection method: clinical testing. Allele origin: germline. Affected: yes. Study: VKGL Data-share Consensus. Not counted in ClinVar's aggregate classification.

Joint Genome Diagnostic Labs from Nijmegen and Maastricht, Radboudumc and MUMC+
Classification: Benign. Review status: no assertion criteria provided. Collection method: clinical testing. Allele origin: germline. Affected: yes. Study: VKGL Data-share Consensus. Not counted in ClinVar's aggregate classification.